The following is an entry in ClinVar:

ClinVar aggregate classification (germline): Uncertain significance. Review status: criteria provided, multiple submitters, no conflicts (2 of 4 stars). 3 submissions from 3 submitters: Uncertain significance (3). Last evaluated 2024-05-06.

Conditions:
Inborn genetic diseases. Identifiers: MedGen C0950123, MeSH D030342.
Hereditary sensory and autonomic neuropathy type 6. Also called: Neuropathy, hereditary sensory and autonomic, type VI; HSAN VI. Identifiers: Orphanet 314381, MedGen C3539003, MONDO:0013839, OMIM 614653.
Epidermolysis bullosa simplex 3, localized or generalized intermediate, with BP230 deficiency (EBS3). Also called: Epidermolysis bullosa simplex, autosomal recessive 2; Epidermolysis bullosa simplex due to BP230 deficiency. Identifiers: Orphanet 412181, MedGen C3809470, MONDO:0014180, OMIM 615425.

gnomAD v4.1: 43 of 1,606,476 alleles (0.0027%); highest among the groups gnomAD compares: Non-Finnish European, 0.0036%; no homozygotes.

Submissions (3):

Blueprint Genetics
Classification: Uncertain significance. Last evaluated: 2024-05-06. Review status: criteria provided, single submitter. Criteria: ACMG Guidelines, 2015. Collection method: clinical testing. Allele origin: germline.

Labcorp Genetics (formerly Invitae), Labcorp
Classification: Uncertain significance for Epidermolysis bullosa simplex 3, localized or generalized intermediate, with BP230 deficiency; Hereditary sensory and autonomic neuropathy type 6. Last evaluated: 2023-05-09. Review status: criteria provided, single submitter. Criteria: Invitae Variant Classification Sherloc (09022015). Collection method: clinical testing. Allele origin: germline.
Comment: In summary, the available evidence is currently insufficient to determine the role of this variant in disease. Therefore, it has been classified as a Variant of Uncertain Significance. Experimental studies and prediction algorithms are not available or were not evaluated, and the functional significance of this variant is currently unknown. ClinVar contains an entry for this variant (Variation ID: 1058285). This variant has not been reported in the literature in individuals affected with DST-related conditions. This variant is present in population databases (rs778888568, gnomAD 0.01%). This sequence change replaces arginine, which is basic and polar, with glycine, which is neutral and non-polar, at codon 1612 of the DST protein (p.Arg1612Gly). The DST gene has multiple clinically relevant transcripts. This variant occurs in alternate transcript NM_015548.4, and corresponds to NM_001723.5:c.*21831C>G in the primary transcript.

Ambry Genetics
Classification: Uncertain significance for Inborn genetic diseases. Last evaluated: 2020-10-13. Review status: criteria provided, single submitter. Criteria: Ambry Variant Classification Scheme 2023. Collection method: clinical testing. Allele origin: germline.
Comment: The p.R2116G variant (also known as c.6346C>G), located in coding exon 42 of the DST gene, results from a C to G substitution at nucleotide position 6346. The arginine at codon 2116 is replaced by glycine, an amino acid with dissimilar properties. This amino acid position is highly conserved in available vertebrate species. In addition, the in silico prediction for this alteration is inconclusive. Since supporting evidence is limited at this time, the clinical significance of this alteration remains unclear.

NM_001374736.1(DST):c.12703C>G (p.Arg4235Gly)

Gene: DST (dystonin; minus strand). Cytogenetic location: 6p12.1.
Variant type: single nucleotide variant.
Coding change: c.12703C>G on transcript NM_001374736.1 (MANE Select); coding-DNA position 12703, C replaced by G.
Protein change: p.Arg4235Gly; replaces arginine 4235 with glycine.
Molecular consequence: missense variant.
Genome position (GRCh38, 1-based): chr6:56,593,686, G>C on the plus strand (C>G on the coding strand, the complement: DST is on the minus strand). VCF-style: chr6-56593686-G-C. GRCh37 (hg19) VCF-style: chr6-56458484-G-C.
Other names: c.6346C>G, p.Arg2116Gly (NM_001144769.5); c.5932C>G, p.Arg1978Gly (NM_001144770.2); c.12703C>G, p.Arg4235Gly (NM_001374722.1); c.12070C>G, p.Arg4024Gly (NM_001374729.1); c.5812C>G, p.Arg1938Gly (NM_001374730.1, NM_001386100.1, NM_183380.4); c.12730C>G, p.Arg4244Gly (NM_001374734.1); c.4834C>G, p.Arg1612Gly (NM_015548.5); short protein forms R1612G, R1938G, R1978G, R2116G, R4024G, R4235G, R4244G.
Identifiers: ClinVar variation 1058285 (VCV001058285.8), dbSNP rs778888568, ClinGen allele CA3868417.
Genomic context (GRCh38, chr6:56,593,686, plus strand): 5'-GATTGACTTTTCCCTTAAAAAATCAAAATAACATTACCTTAGAGTAGAGAGACCTGAACC[G>C]ATCAGTAGCATGATCCAACTTGCGCTGCACTTCTCTGTGGGTTGCAGAAGTATCAACCTT-3'
Protein context (NP_001361665.1, residues 4225-4245): VQRKLDHATD[Arg4235Gly]FRSLYSKCNV